The following is an entry in ClinVar:

NM_014845.6(FIG4):c.1601A>G (p.Tyr534Cys)

Gene: FIG4 (FIG4 phosphoinositide 5-phosphatase; plus strand). Cytogenetic location: 6q21.
Variant type: single nucleotide variant.
Coding change: c.1601A>G on transcript NM_014845.6 (MANE Select); coding-DNA position 1601, A replaced by G.
Protein change: p.Tyr534Cys; replaces tyrosine 534 with cysteine.
Molecular consequence: missense variant.
Genome position (GRCh38, 1-based): chr6:109,766,746, A>G. VCF-style: chr6-109766746-A-G. GRCh37 (hg19) VCF-style: chr6-110087949-A-G.
Other names: short protein forms Y534C.
Identifiers: ClinVar variation 854612 (VCV000854612.5), dbSNP rs749672655, ClinGen allele CA3956146.

ClinVar aggregate classification (germline): Uncertain significance (1 of 4 stars; one submission).

Conditions:
Charcot-Marie-Tooth disease type 4. Also called: Charcot-Marie-Tooth disease, type IV; Charcot-Marie-Tooth, Type 4. Identifiers: Orphanet 64749, MedGen C4082197, MONDO:0018995.

Allele frequency attached by ClinVar (database versions not stated): ExAC 0.00002; gnomAD exomes 0.00002 and 0.00003; TOPMed 0.00002; gnomAD 0.00003 and 0.00004.
gnomAD v4.1: 39 of 1,613,818 alleles (0.0024%); highest among the groups gnomAD compares: East Asian, 0.016%; no homozygotes.

Submission:

Labcorp Genetics (formerly Invitae), Labcorp
Classification: Uncertain significance for Charcot-Marie-Tooth disease type 4. Last evaluated: 2023-11-27. Review status: criteria provided, single submitter. Criteria: Invitae Variant Classification Sherloc (09022015). Collection method: clinical testing. Allele origin: germline.
Comment: This sequence change replaces tyrosine, which is neutral and polar, with cysteine, which is neutral and slightly polar, at codon 534 of the FIG4 protein (p.Tyr534Cys). This variant is present in population databases (rs749672655, gnomAD 0.006%). This variant has not been reported in the literature in individuals affected with FIG4-related conditions. ClinVar contains an entry for this variant (Variation ID: 854612). An algorithm developed to predict the effect of missense changes on protein structure and function (PolyPhen-2) suggests that this variant is likely to be disruptive. In summary, the available evidence is currently insufficient to determine the role of this variant in disease. Therefore, it has been classified as a Variant of Uncertain Significance.